The following is an entry in ClinVar:

ClinVar aggregate classification (germline): Likely benign. Review status: criteria provided, multiple submitters, no conflicts (2 of 4 stars). 2 submissions from 2 submitters: Likely benign (2). Last evaluated 2026-03-31.

Conditions:
ZNF423-related disorder. Also called: ZNF423-related condition.
Nephronophthisis 14 (NPHP14). Identifiers: Orphanet 2318, MedGen C3539071, MONDO:0013916, OMIM 614844.

Allele frequency attached by ClinVar (database versions not stated): ExAC 0.00003; gnomAD exomes 0.00003; gnomAD 0.00005; TOPMed 0.00006.
gnomAD v4.1: 61 of 1,614,012 alleles (0.0038%); highest among the groups gnomAD compares: Middle Eastern, 0.016%; no homozygotes.

Submissions (2):

PreventionGenetics, part of Exact Sciences
Classification: Likely benign for ZNF423-related condition. Last evaluated: 2026-03-31. Review status: criteria provided, single submitter. Criteria: ACMG Guidelines, 2015. Collection method: clinical testing. Allele origin: germline.
Comment: This variant is classified as likely benign based on ACMG/AMP sequence variant interpretation guidelines (Richards et al. 2015 PMID: 25741868, with internal and published modifications).

Labcorp Genetics (formerly Invitae), Labcorp
Classification: Likely benign for Nephronophthisis 14. Last evaluated: 2025-05-12. Review status: criteria provided, single submitter. Criteria: Invitae Variant Classification Sherloc (09022015). Collection method: clinical testing. Allele origin: germline.

NM_001379286.1(ZNF423):c.165C>T (p.Ser55=)

Gene: ZNF423 (zinc finger protein 423; minus strand). Cytogenetic location: 16q12.1.
Variant type: single nucleotide variant.
Coding change: c.165C>T on transcript NM_001379286.1 (MANE Select); coding-DNA position 165, C replaced by T.
Protein change: p.Ser55=; no amino-acid change (serine 55 retained).
Molecular consequence: synonymous variant. On other transcripts: 5 prime UTR variant (1).
Genome position (GRCh38, 1-based): chr16:49,730,907, G>A on the plus strand (C>T on the coding strand, the complement: ZNF423 is on the minus strand). VCF-style: chr16-49730907-G-A. GRCh37 (hg19) VCF-style: chr16-49764818-G-A.
Other names: c.-40C>T (NM_001271620.2); c.141C>T, p.Ser47= (NM_015069.5); c.141C>T (NM_015069.4).
Identifiers: ClinVar variation 2054985 (VCV002054985.5), dbSNP rs533749819, ClinGen allele CA8046947.